The following is an entry in ClinVar:

NM_032776.3(JMJD1C):c.1067A>C (p.Glu356Ala)

Gene: JMJD1C (jumonji domain containing 1C; minus strand). Cytogenetic location: 10q21.3.
Variant type: single nucleotide variant.
Coding change: c.1067A>C on transcript NM_032776.3 (MANE Select); coding-DNA position 1067, A replaced by C.
Protein change: p.Glu356Ala; replaces glutamic acid 356 with alanine.
Molecular consequence: missense variant. On other transcripts: non-coding transcript variant (1).
Genome position (GRCh38, 1-based): chr10:63,215,100, T>G on the plus strand (A>C on the coding strand, the complement: JMJD1C is on the minus strand). VCF-style: chr10-63215100-T-G. GRCh37 (hg19) VCF-style: chr10-64974860-T-G.
Other names: c.521A>C, p.Glu174Ala (NM_001282948.2, NM_001318154.2); c.203A>C, p.Glu68Ala (NM_001318153.2); c.953A>C, p.Glu318Ala (NM_001322252.2); c.410A>C, p.Glu137Ala (NM_001322254.2, NM_001322258.2); short protein forms E137A, E174A, E318A, E356A, E68A.
Identifiers: ClinVar variation 1006671 (VCV001006671.8), dbSNP rs1847826490, ClinGen allele CA377050637.
Genomic context (GRCh38, chr10:63,215,100, plus strand): 5'-GAAAAGTCTGAAACATTGTCAGTTCGAAGTCTTTTCATATTTAGTTTCTTTTCATCCTCC[T>G]CAGGTTTCCTTCTTTTATTCATCAAGTGTTTGTTTTTACCTTTAGGATTTTCTGTAGGAT-3'
Protein context (NP_116165.1, residues 346-366): KHLMNKRRKP[Glu356Ala]EDEKKLNMKR

ClinVar aggregate classification (germline): Uncertain significance (1 of 4 stars; one submission).

Conditions:
Early Myoclonic Encephalopathy. Identifiers: MedGen C0270855.

Allele frequency attached by ClinVar (database versions not stated): gnomAD exomes below 0.00001.
gnomAD v4.1: 1 of 1,583,978 alleles (0.000063%); highest among the groups gnomAD compares: African/African-American, 0.0014%; no homozygotes.

Submission:

Labcorp Genetics (formerly Invitae), Labcorp
Classification: Uncertain significance for Early Myoclonic Encephalopathy. Last evaluated: 2022-02-03. Review status: criteria provided, single submitter. Criteria: Invitae Variant Classification Sherloc (09022015). Collection method: clinical testing. Allele origin: germline.
Comment: This variant has not been reported in the literature in individuals affected with JMJD1C-related conditions. ClinVar contains an entry for this variant (Variation ID: 1006671). Algorithms developed to predict the effect of missense changes on protein structure and function are either unavailable or do not agree on the potential impact of this missense change (SIFT: "Deleterious"; PolyPhen-2: "Benign"; Align-GVGD: "Class C0"). In summary, the available evidence is currently insufficient to determine the role of this variant in disease. Therefore, it has been classified as a Variant of Uncertain Significance. This variant is not present in population databases (gnomAD no frequency). This sequence change replaces glutamic acid, which is acidic and polar, with alanine, which is neutral and non-polar, at codon 356 of the JMJD1C protein (p.Glu356Ala).